The following is an entry in ClinVar:

NM_001164760.2(PRKAR1B):c.1007C>T (p.Ala336Val)

Gene: PRKAR1B (protein kinase cAMP-dependent type I regulatory subunit beta; minus strand). Cytogenetic location: 7p22.3.
Variant type: single nucleotide variant.
Coding change: c.1007C>T on transcript NM_001164760.2 (MANE Select); coding-DNA position 1007, C replaced by T.
Protein change: p.Ala336Val; replaces alanine 336 with valine.
Molecular consequence: missense variant.
Genome position (GRCh38, 1-based): chr7:550,569, G>A on the plus strand (C>T on the coding strand, the complement: PRKAR1B is on the minus strand). VCF-style: chr7-550569-G-A. GRCh37 (hg19) VCF-style: chr7-590206-G-A.
Other names: c.1007C>T, p.Ala336Val (NM_002735.3, NM_001164758.2, NM_001164759.1 and 2 more transcripts); short protein forms A336V.
Identifiers: ClinVar variation 4880840 (VCV004880840.2).

ClinVar aggregate classification (germline): Uncertain significance (1 of 4 stars; one submission).

Conditions:
Marbach-Schaaf neurodevelopmental syndrome (MASNS). Identifiers: Orphanet 692173, MedGen C5562050, MONDO:0859214, OMIM 619680.

gnomAD v4.1: 18 of 1,593,528 alleles (0.0011%); highest among the groups gnomAD compares: Middle Eastern, 0.018%; no homozygotes.

Submission:

Dasa
Classification: Uncertain significance for Marbach-Schaaf neurodevelopmental syndrome. Last evaluated: 2025-12-24. Review status: criteria provided, single submitter. Criteria: DASA Assertion Criteria. Collection method: clinical testing. Allele origin: germline.
Comment: NM_001164760.2(PRKAR1B):c.1007C>T (p.Ala336Val) is a missense variant that results in the substitution of alanine with valine. This variant is rare in population databases. Computational prediction algorithms are consistent with a deleterious effect. The currently available literature and clinical evidence are not sufficient to establish a definitive association between this variant and the reported condition. Therefore, this variant is classified as a variant of uncertain significance.